The following is an entry in ClinVar:

NM_000083.3(CLCN1):c.2669C>T (p.Thr890Met)

Gene: CLCN1 (chloride voltage-gated channel 1; plus strand). Cytogenetic location: 7q34.
Variant type: single nucleotide variant.
Coding change: c.2669C>T on transcript NM_000083.3 (MANE Select); coding-DNA position 2669, C replaced by T.
Protein change: p.Thr890Met; replaces threonine 890 with methionine.
Molecular consequence: missense variant. On other transcripts: non-coding transcript variant (1).
Genome position (GRCh38, 1-based): chr7:143,351,667, C>T. VCF-style: chr7-143351667-C-T. GRCh37 (hg19) VCF-style: chr7-143048760-C-T.
Other names: c.2669C>T (NM_000083.2); short protein forms T890M.
Identifiers: ClinVar variation 1439449 (VCV001439449.9), dbSNP rs756135571, ClinGen allele CA4537765.
Genomic context (GRCh38, chr7:143,351,667, plus strand): 5'-TTGAGGGGCACACCAAGTCTGGGGTGCAGCTCCGCCCTCCCCTTGCCAGCTTCCGGAACA[C>T]GACTTCAACTCGAAAGAGTACCGGGGCACCTCCATCTTCTGCAGAGAACTGGAACCTGCC-3'
Protein context (NP_000074.3, residues 880-900): LRPPLASFRN[Thr890Met]TSTRKSTGAP

ClinVar aggregate classification (germline): Uncertain significance. Review status: criteria provided, multiple submitters, no conflicts (2 of 4 stars). 2 submissions from 2 submitters: Uncertain significance (2). Last evaluated 2025-07-02.

Conditions:
Congenital myotonia, autosomal recessive form. Also called: Becker Generalized Myotonia; BECKER DISEASE; myotonia congenita, autosomal recessive. Identifiers: Orphanet 614, MedGen C0751360, MONDO:0009715, OMIM 255700.
Congenital myotonia, autosomal dominant form (THD). Also called: THOMSEN DISEASE; Myotonia congenita autosomal dominant. Identifiers: Orphanet 614, MedGen C2936781, MONDO:0008055, OMIM 160800.

Allele frequency attached by ClinVar (database versions not stated): gnomAD exomes below 0.00001 and 0.00001; ExAC 0.00001.
gnomAD v4.1: 11 of 1,614,200 alleles (0.00068%); highest among the groups gnomAD compares: South Asian, 0.0033%; no homozygotes.

Submissions (2):

Labcorp Genetics (formerly Invitae), Labcorp
Classification: Uncertain significance for Congenital myotonia, autosomal recessive form; Congenital myotonia, autosomal dominant form. Last evaluated: 2025-07-02. Review status: criteria provided, single submitter. Criteria: Invitae Variant Classification Sherloc (09022015). Collection method: clinical testing. Allele origin: germline.
Comment: This sequence change replaces threonine, which is neutral and polar, with methionine, which is neutral and non-polar, at codon 890 of the CLCN1 protein (p.Thr890Met). This variant is present in population databases (rs756135571, gnomAD 0.003%). This variant has not been reported in the literature in individuals affected with CLCN1-related conditions. ClinVar contains an entry for this variant (Variation ID: 1439449). Invitae Evidence Modeling of protein sequence and biophysical properties (such as structural, functional, and spatial information, amino acid conservation, physicochemical variation, residue mobility, and thermodynamic stability) has been performed for this missense variant. However, the output from this modeling did not meet the statistical confidence thresholds required to predict the impact of this variant on CLCN1 protein function. In summary, the available evidence is currently insufficient to determine the role of this variant in disease. Therefore, it has been classified as a Variant of Uncertain Significance.

Revvity Omics, Revvity
Classification: Uncertain significance. Last evaluated: 2019-10-07. Review status: criteria provided, single submitter. Criteria: ACMG Guidelines, 2015. Collection method: clinical testing. Allele origin: germline.